The following is an entry in ClinVar:

ClinVar aggregate classification (germline): Conflicting classifications of pathogenicity. Review status: criteria provided, conflicting classifications (1 of 4 stars). 2 submissions from 2 submitters: Likely pathogenic (1); Uncertain significance (1). Last evaluated 2024-06-03.

Conditions:
Kleefstra syndrome 1 (KLEFS1). Identifiers: Orphanet 261494, MedGen C0795833, MONDO:0027407, OMIM 610253.
Inborn genetic diseases. Identifiers: MedGen C0950123, MeSH D030342.

Submissions (2):

Ambry Genetics
Classification: Uncertain significance for Inborn genetic diseases. Last evaluated: 2024-06-03. Review status: criteria provided, single submitter. Criteria: Ambry Variant Classification Scheme 2023. Collection method: clinical testing. Allele origin: germline.

Greenwood Genetic Center Diagnostic Laboratories, Greenwood Genetic Center
Classification: Likely pathogenic for Kleefstra syndrome 1. Last evaluated: 2023-05-19. Review status: criteria provided, single submitter. Criteria: ACMG Guidelines, 2015. Collection method: clinical testing. Allele origin: germline. Affected: yes.
Comment: PS2, PM2

NM_024757.5(EHMT1):c.3239T>C (p.Met1080Thr)

Gene: EHMT1 (euchromatic histone lysine methyltransferase 1; plus strand). Cytogenetic location: 9q34.3.
Variant type: single nucleotide variant.
Coding change: c.3239T>C on transcript NM_024757.5 (MANE Select); coding-DNA position 3239, T replaced by C.
Protein change: p.Met1080Thr; replaces methionine 1080 with threonine.
Molecular consequence: missense variant.
Genome position (GRCh38, 1-based): chr9:137,814,489, T>C. VCF-style: chr9-137814489-T-C. GRCh37 (hg19) VCF-style: chr9-140708941-T-C.
Other names: c.3239T>C (NM_024757.4); c.3218T>C, p.Met1073Thr (NM_001354263.2); short protein forms M1073T, M1080T.
Identifiers: ClinVar variation 2572230 (VCV002572230.2), dbSNP rs2538687690, ClinGen allele CA375795002.
Genomic context (GRCh38, chr9:137,814,489, plus strand): 5'-AGTACTGCGTGTGCATCGACGACTGCTCCTCCAGCAACTGCATGTGCGGCCAGCTCAGCA[T>C]GCGCTGCTGGTACGACAAGGTGAGGGCGGCCTCGTGTGCGTGGGCTCAGGTGGTAAGTGC-3'
Protein context (NP_079033.4, residues 1070-1090): SSNCMCGQLS[Met1080Thr]RCWYDKDGRL